The following is an entry in ClinVar:

NM_152732.5(RSPH9):c.98T>C (p.Met33Thr)

Gene: RSPH9 (radial spoke head component 9; plus strand). Cytogenetic location: 6p21.1.
Variant type: single nucleotide variant.
Coding change: c.98T>C on transcript NM_152732.5 (MANE Select); coding-DNA position 98, T replaced by C.
Protein change: p.Met33Thr; replaces methionine 33 with threonine.
Molecular consequence: missense variant. On other transcripts: non-coding transcript variant (2).
Genome position (GRCh38, 1-based): chr6:43,645,196, T>C. VCF-style: chr6-43645196-T-C. GRCh37 (hg19) VCF-style: chr6-43612933-T-C.
Other names: c.98T>C, p.Met33Thr (NM_001193341.2, NM_001424119.1, NM_001424120.1 and 1 more transcripts); short protein forms M33T.
Identifiers: ClinVar variation 575069 (VCV000575069.8), dbSNP rs374043705, ClinGen allele CA3828209.

ClinVar aggregate classification (germline): Conflicting classifications of pathogenicity. Review status: criteria provided, conflicting classifications (1 of 4 stars). 2 submissions from 2 submitters: Uncertain significance (1); Likely benign (1). Last evaluated 2024-03-05.

Conditions:
Primary ciliary dyskinesia. Also called: Ciliary dyskinesia. Identifiers: Orphanet 244, MedGen C0008780, MONDO:0016575, HP:0012265.

Allele frequency attached by ClinVar (database versions not stated): TOPMed 0.00010; ESP Exome Variant Server 0.00015; ExAC 0.00003; gnomAD exomes 0.00003 and 0.00008; gnomAD 0.00008.
gnomAD v4.1: 128 of 1,613,848 alleles (0.0079%); highest among the groups gnomAD compares: Admixed American, 0.012%; no homozygotes.

Submissions (2):

Ambry Genetics
Classification: Likely benign for Primary ciliary dyskinesia. Last evaluated: 2024-03-05. Review status: criteria provided, single submitter. Criteria: Ambry Variant Classification Scheme 2023. Collection method: clinical testing. Allele origin: germline.

Labcorp Genetics (formerly Invitae), Labcorp
Classification: Uncertain significance for Primary ciliary dyskinesia. Last evaluated: 2022-07-05. Review status: criteria provided, single submitter. Criteria: Invitae Variant Classification Sherloc (09022015). Collection method: clinical testing. Allele origin: germline.
Comment: This sequence change replaces methionine, which is neutral and non-polar, with threonine, which is neutral and polar, at codon 33 of the RSPH9 protein (p.Met33Thr). This variant is present in population databases (rs374043705, gnomAD 0.006%). This variant has not been reported in the literature in individuals affected with RSPH9-related conditions. ClinVar contains an entry for this variant (Variation ID: 575069). Algorithms developed to predict the effect of missense changes on protein structure and function output the following: SIFT: "Tolerated"; PolyPhen-2: "Benign"; Align-GVGD: "Class C0". The threonine amino acid residue is found in multiple mammalian species, which suggests that this missense change does not adversely affect protein function. In summary, the available evidence is currently insufficient to determine the role of this variant in disease. Therefore, it has been classified as a Variant of Uncertain Significance.